The following is an entry in ClinVar:

NM_014476.6(PDLIM3):c.743G>A (p.Arg248His)

Gene: PDLIM3 (PDZ and LIM domain 3; minus strand). Cytogenetic location: 4q35.1.
Variant type: single nucleotide variant.
Coding change: c.743G>A on transcript NM_014476.6 (MANE Select); coding-DNA position 743, G replaced by A.
Protein change: p.Arg248His; replaces arginine 248 with histidine.
Molecular consequence: missense variant. On other transcripts: non-coding transcript variant (1).
Genome position (GRCh38, 1-based): chr4:185,506,572, C>T on the plus strand (G>A on the coding strand, the complement: PDLIM3 is on the minus strand). VCF-style: chr4-185506572-C-T. GRCh37 (hg19) VCF-style: chr4-186427726-C-T.
Other names: c.599G>A, p.Arg200His (NM_001114107.5); c.479G>A, p.Arg160His (NM_001257962.2); c.242G>A, p.Arg81His (NM_001257963.2); c.743G>A (NM_014476.4); short protein forms R200H, R248H, R160H, R81H.
Identifiers: ClinVar variation 222763 (VCV000222763.5), dbSNP rs377158204, ClinGen allele CA088495.

ClinVar aggregate classification (germline): Uncertain significance. Review status: criteria provided, multiple submitters, no conflicts (2 of 4 stars). 2 submissions from 2 submitters: Uncertain significance (2). Last evaluated 2024-03-07.

Allele frequency attached by ClinVar (database versions not stated): gnomAD 0.00001; TOPMed 0.00001; gnomAD exomes 0.00002; ExAC 0.00003.
gnomAD v4.1: 28 of 1,613,288 alleles (0.0017%); highest among the groups gnomAD compares: Middle Eastern, 0.016%; no homozygotes.

Submissions (2):

Ambry Genetics
Classification: Uncertain significance. Last evaluated: 2024-03-07. Review status: criteria provided, single submitter. Criteria: Ambry Variant Classification Scheme 2023. Collection method: clinical testing. Allele origin: germline.
Comment: The p.R248H variant (also known as c.743G>A), located in coding exon 6 of the PDLIM3 gene, results from a G to A substitution at nucleotide position 743. The arginine at codon 248 is replaced by histidine, an amino acid with highly similar properties. This amino acid position is conserved. In addition, the in silico prediction for this alteration is inconclusive. Based on the available evidence, the clinical significance of this alteration remains unclear.

Blueprint Genetics
Classification: Uncertain significance. Last evaluated: 2024-03-01. Review status: criteria provided, single submitter. Criteria: ACMG Guidelines, 2015. Collection method: clinical testing. Allele origin: germline.